The following is an entry in ClinVar:

NM_015141.4(GPD1L):c.400A>G (p.Ile134Val)

Gene: GPD1L (glycerol-3-phosphate dehydrogenase 1 like; plus strand). Cytogenetic location: 3p22.3.
Variant type: single nucleotide variant.
Coding change: c.400A>G on transcript NM_015141.4 (MANE Select); coding-DNA position 400, A replaced by G.
Protein change: p.Ile134Val; replaces isoleucine 134 with valine.
Molecular consequence: missense variant.
Genome position (GRCh38, 1-based): chr3:32,140,261, A>G. VCF-style: chr3-32140261-A-G. GRCh37 (hg19) VCF-style: chr3-32181753-A-G.
Other names: short protein forms I134V.
Identifiers: ClinVar variation 1736994 (VCV001736994.2), dbSNP rs747897359, ClinGen allele CA351974639.
Genomic context (GRCh38, chr3:32,140,261, plus strand): 5'-TCTCCTAACTTCTTGGCATCCTTGTAGGGCATAGACGAGGGCCCCGAGGGGCTGAAGCTC[A>G]TTTCTGACATCATCCGTGAGAAGATGGGTATTGACATCAGTGTGCTGATGGGAGCCAACA-3'
Protein context (NP_055956.1, residues 124-144): IDEGPEGLKL[Ile134Val]SDIIREKMGI

ClinVar aggregate classification (germline): Uncertain significance (1 of 4 stars; one submission).

Conditions:
Cardiovascular phenotype. Identifiers: MedGen CN230736.

gnomAD v4.1: 8 of 1,614,084 alleles (0.0005%); highest among the groups gnomAD compares: Non-Finnish European, 0.00068%; no homozygotes.

Submission:

Ambry Genetics
Classification: Uncertain significance for Cardiovascular phenotype. Last evaluated: 2021-03-28. Review status: criteria provided, single submitter. Criteria: Ambry Variant Classification Scheme 2023. Collection method: clinical testing. Allele origin: germline.
Comment: The p.I134V variant (also known as c.400A>G), located in coding exon 4 of the GPD1L gene, results from an A to G substitution at nucleotide position 400. The isoleucine at codon 134 is replaced by valine, an amino acid with highly similar properties. This amino acid position is highly conserved in available vertebrate species. In addition, this alteration is predicted to be tolerated by in silico analysis. Since supporting evidence is limited at this time, the clinical significance of this alteration remains unclear.